The following is an entry in ClinVar:

ClinVar aggregate classification (germline): Uncertain significance (1 of 4 stars; one submission).

gnomAD v4.1: 1 of 1,614,058 alleles (0.000062%); highest among the groups gnomAD compares: Non-Finnish European, 0.000085%; no homozygotes.

Submission:

Labcorp Genetics (formerly Invitae), Labcorp
Classification: Uncertain significance. Last evaluated: 2025-09-15. Review status: criteria provided, single submitter. Criteria: Invitae Variant Classification Sherloc (09022015). Collection method: clinical testing. Allele origin: germline.
Comment: This sequence change replaces glutamic acid, which is acidic and polar, with glutamine, which is neutral and polar, at codon 387 of the C1S protein (p.Glu387Gln). This variant is present in population databases (no rsID available, gnomAD 0.0009%). This variant has not been reported in the literature in individuals affected with C1S-related conditions. ClinVar contains an entry for this variant (Variation ID: 2770372). Invitae Evidence Modeling of protein sequence and biophysical properties (such as structural, functional, and spatial information, amino acid conservation, physicochemical variation, residue mobility, and thermodynamic stability) indicates that this missense variant is not expected to disrupt C1S protein function with a negative predictive value of 80%. In summary, the available evidence is currently insufficient to determine the role of this variant in disease. Therefore, it has been classified as a Variant of Uncertain Significance.

NM_001734.5(C1S):c.1159G>C (p.Glu387Gln)

Gene: C1S (complement C1s; plus strand). Cytogenetic location: 12p13.31.
Variant type: single nucleotide variant.
Coding change: c.1159G>C on transcript NM_001734.5 (MANE Select); coding-DNA position 1159, G replaced by C.
Protein change: p.Glu387Gln; replaces glutamic acid 387 with glutamine.
Molecular consequence: missense variant.
Genome position (GRCh38, 1-based): chr12:7,067,735, G>C. VCF-style: chr12-7067735-G-C. GRCh37 (hg19) VCF-style: chr12-7175039-G-C.
Other names: c.658G>C, p.Glu220Gln (NM_001346850.2); c.1159G>C, p.Glu387Gln (NM_201442.4); short protein forms E220Q, E387Q.
Identifiers: ClinVar variation 2770372 (VCV002770372.3), dbSNP rs781983237, ClinGen allele CA383701167.